The following is an entry in ClinVar:

NM_004958.4(MTOR):c.4565G>A (p.Gly1522Asp)

Gene: MTOR (mechanistic target of rapamycin kinase; minus strand). Cytogenetic location: 1p36.22.
Variant type: single nucleotide variant.
Coding change: c.4565G>A on transcript NM_004958.4 (MANE Select); coding-DNA position 4565, G replaced by A.
Protein change: p.Gly1522Asp; replaces glycine 1522 with aspartic acid.
Molecular consequence: missense variant.
Genome position (GRCh38, 1-based): chr1:11,150,131, C>T on the plus strand (G>A on the coding strand, the complement: MTOR is on the minus strand). VCF-style: chr1-11150131-C-T. GRCh37 (hg19) VCF-style: chr1-11210188-C-T.
Other names: c.4565G>A, p.Gly1522Asp (NM_001386500.1); c.3317G>A, p.Gly1106Asp (NM_001386501.1); short protein forms G1106D, G1522D.
Identifiers: ClinVar variation 4799830 (VCV004799830.1).

ClinVar aggregate classification (germline): Uncertain significance (1 of 4 stars; one submission).

Submission:

Labcorp Genetics (formerly Invitae), Labcorp
Classification: Uncertain significance. Last evaluated: 2025-09-23. Review status: criteria provided, single submitter. Criteria: Invitae Variant Classification Sherloc (09022015). Collection method: clinical testing. Allele origin: germline.
Comment: This sequence change replaces glycine, which is neutral and non-polar, with aspartic acid, which is acidic and polar, at codon 1522 of the MTOR protein (p.Gly1522Asp). This variant is not present in population databases (gnomAD no frequency). This variant has not been reported in the literature in individuals affected with MTOR-related conditions. Invitae Evidence Modeling of protein sequence and biophysical properties (such as structural, functional, and spatial information, amino acid conservation, physicochemical variation, residue mobility, and thermodynamic stability) has been performed for this missense variant. However, the output from this modeling did not meet the statistical confidence thresholds required to predict the impact of this variant on MTOR protein function. In summary, the available evidence is currently insufficient to determine the role of this variant in disease. Therefore, it has been classified as a Variant of Uncertain Significance.